The following is an entry in ClinVar:

ClinVar aggregate classification (germline): Uncertain significance (1 of 4 stars; one submission).

Submission:

Labcorp Genetics (formerly Invitae), Labcorp
Classification: Uncertain significance. Last evaluated: 2023-05-15. Review status: criteria provided, single submitter. Criteria: Invitae Variant Classification Sherloc (09022015). Collection method: clinical testing. Allele origin: germline.
Comment: In summary, the available evidence is currently insufficient to determine the role of this variant in disease. Therefore, it has been classified as a Variant of Uncertain Significance. Advanced modeling of protein sequence and biophysical properties (such as structural, functional, and spatial information, amino acid conservation, physicochemical variation, residue mobility, and thermodynamic stability) performed at Invitae indicates that this missense variant is not expected to disrupt EFEMP1 protein function. ClinVar contains an entry for this variant (Variation ID: 1434493). This variant has not been reported in the literature in individuals affected with EFEMP1-related conditions. This variant is not present in population databases (gnomAD no frequency). This sequence change replaces asparagine, which is neutral and polar, with tyrosine, which is neutral and polar, at codon 183 of the EFEMP1 protein (p.Asn183Tyr).

NM_001039348.3(EFEMP1):c.547A>T (p.Asn183Tyr)

Gene: EFEMP1 (EGF-like fibulin extracellular matrix protein 1; minus strand). Cytogenetic location: 2p16.1.
Variant type: single nucleotide variant.
Coding change: c.547A>T on transcript NM_001039348.3 (MANE Select); coding-DNA position 547, A replaced by T.
Protein change: p.Asn183Tyr; replaces asparagine 183 with tyrosine.
Molecular consequence: missense variant.
Genome position (GRCh38, 1-based): chr2:55,881,705, T>A on the plus strand (A>T on the coding strand, the complement: EFEMP1 is on the minus strand). VCF-style: chr2-55881705-T-A. GRCh37 (hg19) VCF-style: chr2-56108840-T-A.
Other names: c.547A>T, p.Asn183Tyr (NM_001039349.3); short protein forms N183Y.
Identifiers: ClinVar variation 1434493 (VCV001434493.8), dbSNP rs2104392204, ClinGen allele CA347029635.